The following is an entry in ClinVar:

ClinVar aggregate classification (germline): Benign (1 of 4 stars; one submission).

Submission:

GeneDx
Classification: Benign. Last evaluated: 2018-06-14. Review status: criteria provided, single submitter. Criteria: GeneDx Variant Classification (06012015). Collection method: clinical testing. Allele origin: germline. Affected: yes.
Comment: This variant is considered likely benign or benign based on one or more of the following criteria: it is a conservative change, it occurs at a poorly conserved position in the protein, it is predicted to be benign by multiple in silico algorithms, and/or has population frequency not consistent with disease.

NM_001134407.3(GRIN2A):c.2008-32CT[6]

Gene: GRIN2A (glutamate ionotropic receptor NMDA type subunit 2A; minus strand). Cytogenetic location: 16p13.2.
Variant type: Microsatellite.
Coding change: c.2008-32CT[6] on transcript NM_001134407.3 (MANE Select); six copies in a row of the 2-base unit CT starting at c.2008-32; the reference has five copies in a row; one copy, 2 bases duplicated.
Molecular consequence: intron variant.
Genome position (GRCh38, 1-based): chr16:9,822,447-9,822,448, AG duplicated on the plus strand (CT on the coding strand, the reverse complement: GRIN2A is on the minus strand); duplicating any 2 consecutive bases within chr16:9,822,447-9,822,456 gives the same sequence; the position shown is the placement nearest the transcript's 3' end. VCF-style (leftmost placement, unchanged base first): chr16-9822446-A-AAG. GRCh37 (hg19) VCF-style: chr16-9916303-A-AAG.
Other names: c.2008-32CT[6] (NM_001134408.2, NM_000833.5).
Identifiers: ClinVar variation 670763 (VCV000670763.1), dbSNP rs113949330, ClinGen allele CA7896599.